The following is an entry in ClinVar:

NM_001792.5(CDH2):c.149A>G (p.His50Arg)

Gene: CDH2 (cadherin 2; minus strand). Cytogenetic location: 18q12.1.
Variant type: single nucleotide variant.
Coding change: c.149A>G on transcript NM_001792.5 (MANE Select); coding-DNA position 149, A replaced by G.
Protein change: p.His50Arg; replaces histidine 50 with arginine.
Molecular consequence: missense variant.
Genome position (GRCh38, 1-based): chr18:28,147,696, T>C on the plus strand (A>G on the coding strand, the complement: CDH2 is on the minus strand). VCF-style: chr18-28147696-T-C. GRCh37 (hg19) VCF-style: chr18-25727660-T-C.
Other names: short protein forms H50R.
Identifiers: ClinVar variation 1773946 (VCV001773946.4), dbSNP rs1026380265, ClinGen allele CA297933412.
Genomic context (GRCh38, chr18:28,147,696, plus strand): 5'-GACACTGCATGTACAAATATATCTTTTGAGATAGTACCATTGAGAAGAGGCTGTCCTTCA[T>C]GCACATCCTTCGATAAGACTGCACTGTAAACATCTTCAGGAAATCCAGTCTTGCATAATG-3'
Protein context (NP_001783.2, residues 40-60): VYSAVLSKDV[His50Arg]EGQPLLNVKF

ClinVar aggregate classification (germline): Uncertain significance. Review status: criteria provided, multiple submitters, no conflicts (2 of 4 stars). 2 submissions from 2 submitters: Uncertain significance (2). Last evaluated 2025-05-01.

Conditions:
Inborn genetic diseases. Identifiers: MedGen C0950123, MeSH D030342.

Allele frequency attached by ClinVar (database versions not stated): gnomAD 0.00001; gnomAD exomes 0.00001; TOPMed 0.00001.
gnomAD v4.1: 10 of 1,607,694 alleles (0.00062%); highest among the groups gnomAD compares: South Asian, 0.0033%; no homozygotes.

Submissions (2):

Labcorp Genetics (formerly Invitae), Labcorp
Classification: Uncertain significance. Last evaluated: 2025-05-01. Review status: criteria provided, single submitter. Criteria: Invitae Variant Classification Sherloc (09022015). Collection method: clinical testing. Allele origin: germline.
Comment: This sequence change replaces histidine, which is basic and polar, with arginine, which is basic and polar, at codon 50 of the CDH2 protein (p.His50Arg). This variant is present in population databases (no rsID available, gnomAD 0.0009%). This variant has not been reported in the literature in individuals affected with CDH2-related conditions. ClinVar contains an entry for this variant (Variation ID: 1773946). An algorithm developed to predict the effect of missense changes on protein structure and function outputs the following: PolyPhen-2: "Benign". The arginine amino acid residue is found in multiple mammalian species, which suggests that this missense change does not adversely affect protein function. In summary, the available evidence is currently insufficient to determine the role of this variant in disease. Therefore, it has been classified as a Variant of Uncertain Significance.

Ambry Genetics
Classification: Uncertain significance for Inborn genetic diseases. Last evaluated: 2025-01-06. Review status: criteria provided, single submitter. Criteria: Ambry Variant Classification Scheme 2023. Collection method: clinical testing. Allele origin: germline.
Comment: The p.H50R variant (also known as c.149A>G), located in coding exon 2 of the CDH2 gene, results from an A to G substitution at nucleotide position 149. The histidine at codon 50 is replaced by arginine, an amino acid with highly similar properties. This amino acid position is conserved. In addition, this alteration is predicted to be tolerated by in silico analysis. Since supporting evidence is limited at this time, the clinical significance of this alteration remains unclear.